The following is an entry in ClinVar:

NM_015311.3(OBSL1):c.5309-15C>A

Gene: OBSL1 (obscurin like cytoskeletal adaptor 1; minus strand). Cytogenetic location: 2q35.
Variant type: single nucleotide variant.
Coding change: c.5309-15C>A on transcript NM_015311.3 (MANE Select); 15 bases into the intron before coding-DNA position 5309, C replaced by A.
Molecular consequence: intron variant.
Genome position (GRCh38, 1-based): chr2:219,552,231, G>T on the plus strand (C>A on the coding strand, the complement: OBSL1 is on the minus strand). VCF-style: chr2-219552231-G-T. GRCh37 (hg19) VCF-style: chr2-220416953-G-T.
Identifiers: ClinVar variation 4705513 (VCV004705513.2).

ClinVar aggregate classification (germline): Likely benign. Review status: criteria provided, multiple submitters, no conflicts (2 of 4 stars). 2 submissions from 2 submitters: Likely benign (2). Last evaluated 2026-06-17.

gnomAD v4.1: 18 of 1,580,890 alleles (0.0011%); highest among the groups gnomAD compares: Middle Eastern, 0.034%; no homozygotes.

Submissions (2):

Women's Health and Genetics/Laboratory Corporation of America, LabCorp
Classification: Likely benign. Last evaluated: 2026-06-17. Review status: criteria provided, single submitter. Criteria: LabCorp Variant Classification Summary - May 2015. Collection method: clinical testing. Allele origin: germline.
Comment: Variant summary: OBSL1 c.5309-15C>A alters a nucleotide located at a position not widely known to affect splicing. Consensus agreement among computation tools predict no significant impact on normal splicing. However, these predictions have yet to be confirmed by functional studies. The variant allele was found at a frequency of 1.1e-05 in 188126 control chromosomes. The available data on variant occurrences in the general population are insufficient to allow any conclusion about variant significance. To our knowledge, no occurrence of c.5309-15C>A in individuals affected with OBSL1-related conditions and no experimental evidence demonstrating its impact on protein function have been reported. ClinVar contains an entry for this variant (Variation ID: 4705513). Based on the evidence outlined above, the variant was classified as likely benign.

Labcorp Genetics (formerly Invitae), Labcorp
Classification: Likely benign. Last evaluated: 2025-12-14. Review status: criteria provided, single submitter. Criteria: Invitae Variant Classification Sherloc (09022015). Collection method: clinical testing. Allele origin: germline.